The following is an entry in ClinVar:

NM_000051.4(ATM):c.8786+2T>A

Genes: C11orf65 (chromosome 11 open reading frame 65; minus strand), ATM (ATM serine/threonine kinase; plus strand). Cytogenetic location: 11q22.3.
Variant type: single nucleotide variant.
Coding change: c.8786+2T>A on transcript NM_000051.4 (MANE Select); the canonical splice donor site of the intron after coding-DNA position 8786, T replaced by A.
Molecular consequence: splice donor variant. On other transcripts: intron variant (2).
Genome position (GRCh38, 1-based): chr11:108,353,882, T>A. VCF-style: chr11-108353882-T-A. GRCh37 (hg19) VCF-style: chr11-108224609-T-A.
Other names: c.8786+2T>A (NM_001351834.2); c.640+32038A>T (NM_001330368.2); c.695-18590A>T (NM_001351110.2).
Identifiers: ClinVar variation 524418 (VCV000524418.8), dbSNP rs1555142918, ClinGen allele CA382524492.

ClinVar aggregate classification (germline): Pathogenic/Likely pathogenic. Review status: criteria provided, multiple submitters, no conflicts (2 of 4 stars). 2 submissions from 2 submitters: Pathogenic (1); Likely pathogenic (1). Last evaluated 2024-02-05.

Conditions:
Familial cancer of breast. Also called: BREAST CANCER, FAMILIAL; Hereditary breast cancer; hereditary breast carcinoma. Identifiers: Orphanet 227535, MedGen C0346153, MONDO:0016419, OMIM 114480. Disease mechanism: loss of function.
Ataxia-telangiectasia syndrome (AT). Also called: Cerebello-oculocutaneous telangiectasia; Immunodeficiency with ataxia telangiectasia; Ataxia-telangiectasia, complementation group E; Ataxia-telangiectasia, complementation group D; AT, COMPLEMENTATION GROUP C; ATAXIA-TELANGIECTASIA, COMPLEMENTATION GROUP A. Identifiers: Orphanet 100, MedGen C0004135, MONDO:0008840, OMIM 208900.

Submissions (2):

Myriad Genetics, Inc.
Classification: Likely pathogenic for Familial cancer of breast. Last evaluated: 2024-02-05. Review status: criteria provided, single submitter. Criteria: Myriad Autosomal Dominant, Autosomal Recessive and X-Linked Classification Criteria (2023). Collection method: clinical testing. Allele origin: unknown.
Comment: This variant is considered likely pathogenic. This variant occurs within a consensus splice junction and is predicted to result in abnormal mRNA splicing of either an out-of-frame exon or an in-frame exon necessary for protein stability and/or normal function.

Labcorp Genetics (formerly Invitae), Labcorp
Classification: Pathogenic for Ataxia-telangiectasia syndrome. Last evaluated: 2022-10-28. Review status: criteria provided, single submitter. Criteria: Invitae Variant Classification Sherloc (09022015). Collection method: clinical testing. Allele origin: germline.
Comment: This variant is not present in population databases (gnomAD no frequency). For these reasons, this variant has been classified as Pathogenic. Studies have shown that disruption of this splice site results in skipping of exon 60 and/or activation of a cryptic splice site and introduces a premature termination codon (Invitae). The resulting mRNA is expected to undergo nonsense-mediated decay. ClinVar contains an entry for this variant (Variation ID: 524418). Disruption of this splice site has been observed in individuals with a family history of breast cancer and ataxia-telangiectasia (PMID: 10330348, 10980530, 21459046, 21792198). This sequence change affects a donor splice site in intron 60 of the ATM gene. RNA analysis indicates that disruption of this splice site induces altered splicing and may result in an absent or disrupted protein product.

Literature cited by the submitters: PubMed 10330348 (cited by Labcorp Genetics (formerly Invitae), Labcorp); PubMed 10980530 (cited by Labcorp Genetics (formerly Invitae), Labcorp); PubMed 21459046 (cited by Labcorp Genetics (formerly Invitae), Labcorp); PubMed 21792198 (cited by Labcorp Genetics (formerly Invitae), Labcorp).